The following is an entry in ClinVar:

NM_198880.3(QRICH1):c.1786+9C>G

Gene: QRICH1 (glutamine rich 1; minus strand). Cytogenetic location: 3p21.31.
Variant type: single nucleotide variant.
Coding change: c.1786+9C>G on transcript NM_198880.3 (MANE Select); 9 bases into the intron after coding-DNA position 1786, C replaced by G.
Molecular consequence: intron variant.
Genome position (GRCh38, 1-based): chr3:49,044,381, G>C on the plus strand (C>G on the coding strand, the complement: QRICH1 is on the minus strand). VCF-style: chr3-49044381-G-C. GRCh37 (hg19) VCF-style: chr3-49081814-G-C.
Other names: c.1786+9C>G (NM_001320584.1, NM_001320585.1, NM_017730.4 and 4 more transcripts).
Identifiers: ClinVar variation 4882107 (VCV004882107.2).

ClinVar aggregate classification (germline): Uncertain significance (1 of 4 stars; one submission).

Submission:

Dasa
Classification: Uncertain significance. Last evaluated: 2024-09-11. Review status: criteria provided, single submitter. Criteria: DASA Assertion Criteria. Collection method: clinical testing. Allele origin: germline.
Comment: NM_198880.3(QRICH1):c.1786+9C>G is a splice-region variant. This variant is absent from population databases. The currently available literature and clinical evidence are not sufficient to establish a definitive association between this variant and the reported condition. Therefore, this variant is classified as a variant of uncertain significance.